The following is an entry in ClinVar:

NM_016169.4(SUFU):c.635A>G (p.Gln212Arg)

Gene: SUFU (SUFU negative regulator of hedgehog signaling; plus strand). Cytogenetic location: 10q24.32.
Variant type: single nucleotide variant.
Coding change: c.635A>G on transcript NM_016169.4 (MANE Select); coding-DNA position 635, A replaced by G.
Protein change: p.Gln212Arg; replaces glutamine 212 with arginine.
Molecular consequence: missense variant.
Genome position (GRCh38, 1-based): chr10:102,593,673, A>G. VCF-style: chr10-102593673-A-G. GRCh37 (hg19) VCF-style: chr10-104353430-A-G.
Other names: c.635A>G, p.Gln212Arg (NM_001178133.2); short protein forms Q212R.
Identifiers: ClinVar variation 940749 (VCV000940749.10), dbSNP rs2063428727, ClinGen allele CA377909490.

ClinVar aggregate classification (germline): Uncertain significance (1 of 4 stars; one submission).

Conditions:
Gorlin syndrome. Also called: Nevoid Basal Cell Carcinoma Syndrome; Basal cell nevus syndrome. Identifiers: Orphanet 377, MedGen C0004779, MONDO:0007187.
Medulloblastoma (MDB). Also called: Medulloblastoma, somatic; MEDULLOBLASTOMA PREDISPOSITION SYNDROME. Identifiers: Orphanet 616, MedGen C0025149, MeSH D008527, MONDO:0007959, OMIM 155255, HP:0002885.

Submission:

Labcorp Genetics (formerly Invitae), Labcorp
Classification: Uncertain significance for Gorlin syndrome; Medulloblastoma. Last evaluated: 2019-05-16. Review status: criteria provided, single submitter. Criteria: Invitae Variant Classification Sherloc (09022015). Collection method: clinical testing. Allele origin: germline.
Comment: In summary, the available evidence is currently insufficient to determine the role of this variant in disease. Therefore, it has been classified as a Variant of Uncertain Significance. Algorithms developed to predict the effect of missense changes on protein structure and function are either unavailable or do not agree on the potential impact of this missense change (SIFT: "Tolerated"; PolyPhen-2: "Probably Damaging"; Align-GVGD: "Class C0"). This variant has not been reported in the literature in individuals with SUFU-related conditions. This variant is not present in population databases (ExAC no frequency). This sequence change replaces glutamine with arginine at codon 212 of the SUFU protein (p.Gln212Arg). The glutamine residue is highly conserved and there is a small physicochemical difference between glutamine and arginine.